The following is an entry in ClinVar:

NM_001288705.3(CSF1R):c.767G>A (p.Arg256His)

Gene: CSF1R (colony stimulating factor 1 receptor; minus strand). Cytogenetic location: 5q32.
Variant type: single nucleotide variant.
Coding change: c.767G>A on transcript NM_001288705.3 (MANE Select); coding-DNA position 767, G replaced by A.
Protein change: p.Arg256His; replaces arginine 256 with histidine.
Molecular consequence: missense variant. On other transcripts: non-coding transcript variant (2).
Genome position (GRCh38, 1-based): chr5:150,077,398, C>T on the plus strand (G>A on the coding strand, the complement: CSF1R is on the minus strand). VCF-style: chr5-150077398-C-T. GRCh37 (hg19) VCF-style: chr5-149456961-C-T.
Other names: p.Arg256His; c.767G>A (NM_005211.3); c.767G>A, p.Arg256His (NM_001349736.2, NM_001375320.1, NM_005211.4); c.323G>A, p.Arg108His (NM_001375321.1); short protein forms R256H, R108H.
Identifiers: ClinVar variation 3003817 (VCV003003817.4), dbSNP rs200702302, ClinGen allele CA3507067.
Genomic context (GRCh38, chr5:150,077,398, plus strand): 5'-TAGTTGCCGGCATGTTGGAAATCTACTTGATCGAGGTTGAGGGTCAGGACTTTTTGGTAA[C>T]GGTTATTATGAAAGTCAGATTGTTGAGGGATTGCGAGCTGCAGCCAGAAGGAATGGAGAT-3'
Protein context (NP_001275634.1, residues 246-266): IPQQSDFHNN[Arg256His]YQKVLTLNLD

ClinVar aggregate classification (germline): Conflicting classifications of pathogenicity. Review status: criteria provided, conflicting classifications (1 of 4 stars). 2 submissions from 2 submitters: Uncertain significance (1); Likely benign (1). Last evaluated 2025-03-05.

Allele frequency attached by ClinVar (database versions not stated): TOPMed 0.00001; gnomAD 0.00002; gnomAD exomes 0.00004; ExAC 0.00006; ESP Exome Variant Server 0.00008.
gnomAD v4.1: 53 of 1,613,708 alleles (0.0033%); highest among the groups gnomAD compares: Middle Eastern, 0.016%; no homozygotes.

Submissions (2):

Mayo Clinic Laboratories, Mayo Clinic
Classification: Uncertain significance. Last evaluated: 2025-03-05. Review status: criteria provided, single submitter. Criteria: ACMG Guidelines, 2015. Collection method: clinical testing. Allele origin: germline. Observed: 1 variant allele.
Comment: BP4_moderate

Labcorp Genetics (formerly Invitae), Labcorp
Classification: Likely benign. Last evaluated: 2023-07-12. Review status: criteria provided, single submitter. Criteria: Invitae Variant Classification Sherloc (09022015). Collection method: clinical testing. Allele origin: germline.